The following is an entry in ClinVar:

ClinVar aggregate classification (germline): Likely benign. Review status: criteria provided, multiple submitters, no conflicts (2 of 4 stars). 3 submissions from 3 submitters: Likely benign (3). Last evaluated 2025-12-13.

Conditions:
Usher syndrome type 3B. Also called: USHER SYNDROME, TYPE IIIB. Identifiers: MedGen C3281066, MONDO:0013788, OMIM 614504.

Allele frequency attached by ClinVar (database versions not stated): ExAC 0.00001; gnomAD exomes 0.00003; TOPMed 0.00003; gnomAD 0.00004 and 0.00005.

Submissions (3):

Labcorp Genetics (formerly Invitae), Labcorp
Classification: Likely benign for Usher syndrome type 3B. Last evaluated: 2025-12-13. Review status: criteria provided, single submitter. Criteria: Invitae Variant Classification Sherloc (09022015). Collection method: clinical testing. Allele origin: germline.

Women's Health and Genetics/Laboratory Corporation of America, LabCorp
Classification: Likely benign. Last evaluated: 2025-04-01. Review status: criteria provided, single submitter. Criteria: LabCorp Variant Classification Summary - May 2015. Collection method: clinical testing. Allele origin: germline.
Comment: Variant summary: HARS1 c.522+17C>T alters a non-conserved nucleotide located at a position not widely known to affect splicing. Consensus agreement among computation tools predict no significant impact on normal splicing. However, these predictions have yet to be confirmed by functional studies. The variant allele was found at a frequency of 2.8e-05 in 281294 control chromosomes. The available data on variant occurrences in the general population are insufficient to allow any conclusion about variant significance. To our knowledge, no occurrence of c.522+17C>T in individuals affected with Autosomal dominant Charcot-Marie-Tooth disease type 2W and no experimental evidence demonstrating its impact on protein function have been reported. ClinVar contains an entry for this variant (Variation ID: 1680339). Based on the evidence outlined above, the variant was classified as likely benign.

Blueprint Genetics
Classification: Likely benign. Last evaluated: 2024-10-10. Review status: criteria provided, single submitter. Criteria: ACMG Guidelines, 2015. Collection method: clinical testing. Allele origin: germline.

NM_002109.6(HARS1):c.522+17C>T

Gene: HARS1 (histidyl-tRNA synthetase 1; minus strand). Cytogenetic location: 5q31.3.
Variant type: single nucleotide variant.
Coding change: c.522+17C>T on transcript NM_002109.6 (MANE Select); 17 bases into the intron after coding-DNA position 522, C replaced by T.
Molecular consequence: intron variant.
Genome position (GRCh38, 1-based): chr5:140,678,985, G>A on the plus strand (C>T on the coding strand, the complement: HARS1 is on the minus strand). VCF-style: chr5-140678985-G-A. GRCh37 (hg19) VCF-style: chr5-140058570-G-A.
Other names: c.435+17C>T (NM_001289094.2); c.181-970C>T (NM_001289093.2); c.342+77C>T (NM_001258042.3); c.402+17C>T (NM_001258040.3); c.301-970C>T (NM_001289092.2); c.462+77C>T (NM_001258041.3).
Identifiers: ClinVar variation 1680339 (VCV001680339.11), dbSNP rs201107108, ClinGen allele CA3444089.
Genomic context (GRCh38, chr5:140,678,985, plus strand): 5'-GTGAGTACTCAATAGATTCTGCTGGCTTGAGAGAGCCCCAAGTAACTCATCCTGCCCCAC[G>A]GTTTCCCAACACTCACACACTGGTAGAATTCCCGGTATCGGCCACGGGTCATGGCTGGGT-3'